The following is an entry in ClinVar:

ClinVar aggregate classification (germline): Uncertain significance (1 of 4 stars; one submission).

Submission:

GeneDx
Classification: Uncertain significance. Last evaluated: 2019-12-17. Review status: criteria provided, single submitter. Criteria: GeneDx Variant Classification Process June 2021. Collection method: clinical testing. Allele origin: germline. Affected: yes.
Comment: Not observed in large population cohorts (Lek et al., 2016); Frameshift variant predicted to result in protein truncation or nonsense mediated decay in a gene for which loss-of-function is not a known mechanism of disease; Has not been previously published as pathogenic or benign to our knowledge

NM_006946.4(SPTBN2):c.2895dup (p.Glu966fs)

Gene: SPTBN2 (spectrin beta, non-erythrocytic 2; minus strand). Cytogenetic location: 11q13.2.
Variant type: Duplication.
Coding change: c.2895dup on transcript NM_006946.4 (MANE Select); coding-DNA position 2895, one base duplicated (A; older notation c.2895dupA).
Protein change: p.Glu966fs; shifts the reading frame from glutamic acid 966.
Molecular consequence: frameshift variant.
Genome position (GRCh38, 1-based): chr11:66,701,204, T duplicated on the plus strand (A on the coding strand, the reverse complement: SPTBN2 is on the minus strand). VCF-style (leftmost placement, unchanged base first): chr11-66701203-C-CT. GRCh37 (hg19) VCF-style: chr11-66468674-C-CT.
Other names: c.2895dupA (NM_006946.2); short protein forms E966fs.
Identifiers: ClinVar variation 451904 (VCV000451904.3), dbSNP rs1554982890, ClinGen allele CA658658072.